The following is an entry in ClinVar:

NM_174936.4(PCSK9):c.70G>T (p.Gly24Cys)

Gene: PCSK9 (proprotein convertase subtilisin/kexin type 9; plus strand). Cytogenetic location: 1p32.3.
Variant type: single nucleotide variant.
Coding change: c.70G>T on transcript NM_174936.4 (MANE Select); coding-DNA position 70, G replaced by T.
Protein change: p.Gly24Cys; replaces glycine 24 with cysteine.
Molecular consequence: missense variant. On other transcripts: 5 prime UTR variant (1), non-coding transcript variant (8).
Genome position (GRCh38, 1-based): chr1:55,039,907, G>T. VCF-style: chr1-55039907-G-T. GRCh37 (hg19) VCF-style: chr1-55505580-G-T.
Other names: c.70G>T, p.Gly24Cys (NM_001407240.1, NM_001407241.1, NM_001407242.1 and 4 more transcripts); c.-665G>T (NM_001407246.1); short protein forms G24C.
Identifiers: ClinVar variation 3071132 (VCV003071132.1), dbSNP rs1479030404, ClinGen allele CA340482713.
Genomic context (GRCh38, chr1:55,039,907, plus strand): 5'-GTCAGCTCCAGGCGGTCCTGGTGGCCGCTGCCACTGCTGCTGCTGCTGCTGCTGCTCCTG[G>T]GTCCCGCGGGCGCCCGTGCGCAGGAGGACGAGGACGGCGACTACGAGGAGCTGGTGCTAG-3'
Protein context (NP_777596.2, residues 14-34): PLLLLLLLLL[Gly24Cys]PAGARAQEDE

ClinVar aggregate classification (germline): Uncertain significance (1 of 4 stars; one submission).

Conditions:
Hypercholesterolemia, autosomal dominant, 3 (FHCL3). Also called: Familial Hypercholesterolemia, Autosomal Dominant, 3; PCSK9-Related Familial Hypercholesterolemia, Autosomal Dominant; Familial hypercholesterolemia 3. Identifiers: MedGen C1863551, MONDO:0011369, OMIM 603776.

Submission:

All of Us Research Program, National Institutes of Health
Classification: Uncertain significance for Hypercholesterolemia, autosomal dominant, 3. Last evaluated: 2023-05-16. Review status: criteria provided, single submitter. Criteria: ACMG Guidelines, 2015. Collection method: clinical testing. Allele origin: germline. Inheritance: Autosomal dominant inheritance. Observed: 1 variant allele, 1 heterozygote.
Comment: This missense variant replaces glycine with cysteine at codon 24 of the PCSK9 protein. Computational prediction suggests that this variant may not impact protein structure and function (internally defined REVEL score threshold <= 0.5, PMID: 27666373). To our knowledge, functional studies have not been reported for this variant. This variant has not been reported in individuals affected with PCSK9-related disorders in the literature. This variant has not been identified in the general population by the Genome Aggregation Database (gnomAD). The available evidence is insufficient to determine the role of this variant in disease conclusively. Therefore, this variant is classified as a Variant of Uncertain Significance.

This study involves interpretation of variants in research participants for the purpose of population health screening. Participant phenotype was not available at the time of variant classification. Additional details can be found in publication PMID: 35346344, PMCID: PMC8962531